The following is an entry in ClinVar:

ClinVar aggregate classification (germline): Benign (1 of 4 stars; one submission).

Conditions:
Leigh syndrome (NULS). Also called: Leigh's necrotizing encephalopathy; Leigh's disease; Leigh Syndrome (mtDNA deletion); Leigh Disease; Subacute necrotizing encephalopathy; Necrotizing encephalopathy infantile subacute of Leigh. Identifiers: Orphanet 506, MedGen C2931891, MONDO:0009723, OMIM 256000.

Submission:

Wong Mito Lab, Molecular and Human Genetics, Baylor College of Medicine
Classification: Benign for Leigh syndrome. Last evaluated: 2019-10-17. Review status: criteria provided, single submitter. Criteria: Modified ACMG Guidelines (Unpublished). Collection method: clinical testing. Allele origin: germline.
Comment: The NC_012920.1:m.7356G>A (YP_003024028.1:p.Val485Met) variant in MTCO1 gene is interpretated to be a Benign variant based on the modified ACMG guidelines (unpublished). This variant meets the following evidence codes: BS1, BS2, BP4

NC_012920.1(MT-CO1):m.7356G>A

Gene: MT-CO1 (mitochondrially encoded cytochrome c oxidase I; plus strand).
Variant type: single nucleotide variant.
Genome position: chrM-7356-G-A.
Identifiers: ClinVar variation 692735 (VCV000692735.1), dbSNP rs1556423271, ClinGen allele CA414792540.